The following is an entry in ClinVar:

NM_005359.6(SMAD4):c.177A>G (p.Thr59=)

Gene: SMAD4 (SMAD family member 4; plus strand). Cytogenetic location: 18q21.2.
Variant type: single nucleotide variant.
Coding change: c.177A>G on transcript NM_005359.6 (MANE Select); coding-DNA position 177, A replaced by G.
Protein change: p.Thr59=; no amino-acid change (threonine 59 retained).
Molecular consequence: synonymous variant.
Genome position (GRCh38, 1-based): chr18:51,047,223, A>G. VCF-style: chr18-51047223-A-G. GRCh37 (hg19) VCF-style: chr18-48573593-A-G.
Identifiers: ClinVar variation 240147 (VCV000240147.21), dbSNP rs774480995, ClinGen allele CA8965733.

ClinVar aggregate classification (germline): Benign/Likely benign. Review status: criteria provided, multiple submitters, no conflicts (2 of 4 stars). 6 submissions from 6 submitters: Benign (1); Likely benign (5). Last evaluated 2025-10-07.

Conditions:
Familial thoracic aortic aneurysm and aortic dissection (TAAD). Also called: Thoracic aortic aneurysms and dissections. Identifiers: Orphanet 91387, MedGen C4707243, MONDO:0019625.
Hereditary cancer-predisposing syndrome. Also called: Tumor predisposition; Neoplastic Syndromes, Hereditary; Hereditary neoplastic syndrome; Hereditary Cancer Syndrome. Identifiers: Orphanet 140162, MedGen C0027672, MeSH D009386, MONDO:0015356.
Juvenile polyposis syndrome (JPS). Identifiers: Orphanet 2929, MedGen C0345893, MONDO:0017380, OMIM 174900.
Juvenile polyposis/hereditary hemorrhagic telangiectasia syndrome (JPHT). Also called: Juvenile Polyposis Syndrome / Hereditary Hemorrhagic Telangiectasia (JPS/HHT); JP/HHT SYNDROME; JUVENILE POLYPOSIS WITH HEREDITARY HEMORRHAGIC TELANGIECTASIA; POLYPOSIS, GENERALIZED JUVENILE, WITH PULMONARY ARTERIOVENOUS MALFORMATION; TELANGIECTASIA, HEREDITARY HEMORRHAGIC, WITH JUVENILE POLYPOSIS COLI. Identifiers: Orphanet 2929, MedGen C1832942, MONDO:0008278, OMIM 175050.

Allele frequency attached by ClinVar (database versions not stated): gnomAD exomes below 0.00001; TOPMed below 0.00001; ExAC 0.00001.
gnomAD v4.1: 2 of 1,613,680 alleles (0.00012%); highest among the groups gnomAD compares: Admixed American, 0.0033%; no homozygotes.

Submissions (6):

Labcorp Genetics (formerly Invitae), Labcorp
Classification: Likely benign for Juvenile polyposis syndrome. Last evaluated: 2025-10-07. Review status: criteria provided, single submitter. Criteria: Invitae Variant Classification Sherloc (09022015). Collection method: clinical testing. Allele origin: germline.

Myriad Genetics, Inc.
Classification: Benign for Juvenile polyposis/hereditary hemorrhagic telangiectasia syndrome. Last evaluated: 2025-03-18. Review status: criteria provided, single submitter. Criteria: Myriad Autosomal Dominant, Autosomal Recessive and X-Linked Classification Criteria (2023). Collection method: clinical testing. Allele origin: unknown.
Comment: This variant is considered benign. This variant is a silent/synonymous amino acid change and it is not expected to impact splicing.

Women's Health and Genetics/Laboratory Corporation of America, LabCorp
Classification: Likely benign. Last evaluated: 2024-02-19. Review status: criteria provided, single submitter. Criteria: LabCorp Variant Classification Summary - May 2015. Collection method: clinical testing. Allele origin: germline.

All of Us Research Program, National Institutes of Health
Classification: Likely benign for Juvenile polyposis/hereditary hemorrhagic telangiectasia syndrome. Last evaluated: 2023-08-28. Review status: criteria provided, single submitter. Criteria: ACMG Guidelines, 2015. Collection method: clinical testing. Allele origin: germline. Inheritance: Autosomal dominant inheritance. Observed: 1 variant allele, 1 heterozygote.
Comment: This study involves interpretation of variants in research participants for the purpose of population health screening. Participant phenotype was not available at the time of variant classification. Additional details can be found in publication PMID: 35346344, PMCID: PMC8962531

Color Diagnostics, LLC DBA Color Health
Classification: Likely benign for Hereditary cancer-predisposing syndrome. Last evaluated: 2017-04-05. Review status: criteria provided, single submitter. Criteria: ACMG Guidelines, 2015. Collection method: clinical testing. Allele origin: germline.

Ambry Genetics
Classification: Likely benign for Hereditary cancer-predisposing syndrome; Familial thoracic aortic aneurysm and aortic dissection. Last evaluated: 2016-03-16. Review status: criteria provided, single submitter. Criteria: Ambry Variant Classification Scheme 2023. Collection method: clinical testing. Allele origin: germline.